The following is an entry in ClinVar:

ClinVar aggregate classification (germline): Uncertain significance (1 of 4 stars; one submission).

Allele frequency attached by ClinVar (database versions not stated): gnomAD exomes below 0.00001 and 0.00001; gnomAD 0.00001.
gnomAD v4.1: 5 of 1,549,242 alleles (0.00032%); highest among the groups gnomAD compares: Admixed American, 0.002%; no homozygotes.

Submission:

Labcorp Genetics (formerly Invitae), Labcorp
Classification: Uncertain significance. Last evaluated: 2022-08-09. Review status: criteria provided, single submitter. Criteria: Invitae Variant Classification Sherloc (09022015). Collection method: clinical testing. Allele origin: germline.
Comment: This sequence change affects codon 117 of the CLCN7 mRNA. It is a 'silent' change, meaning that it does not change the encoded amino acid sequence of the CLCN7 protein. This variant also falls at the last nucleotide of exon 4, which is part of the consensus splice site for this exon. This variant is present in population databases (rs768049955, gnomAD 0.004%). In summary, the available evidence is currently insufficient to determine the role of this variant in disease. Therefore, it has been classified as a Variant of Uncertain Significance. Variants that disrupt the consensus splice site are a relatively common cause of aberrant splicing (PMID: 17576681, 9536098). Algorithms developed to predict the effect of sequence changes on RNA splicing suggest that this variant may create or strengthen a splice site. ClinVar contains an entry for this variant (Variation ID: 1489731). This variant has not been reported in the literature in individuals affected with CLCN7-related conditions.

Literature cited by the submitters: PubMed 17576681; PubMed 9536098.

NM_001287.6(CLCN7):c.351G>A (p.Thr117=)

Gene: CLCN7 (chloride voltage-gated channel 7; minus strand). Cytogenetic location: 16p13.3.
Variant type: single nucleotide variant.
Coding change: c.351G>A on transcript NM_001287.6 (MANE Select); coding-DNA position 351, G replaced by A.
Protein change: p.Thr117=; no amino-acid change (threonine 117 retained).
Molecular consequence: synonymous variant.
Genome position (GRCh38, 1-based): chr16:1,461,405, C>T on the plus strand (G>A on the coding strand, the complement: CLCN7 is on the minus strand). VCF-style: chr16-1461405-C-T. GRCh37 (hg19) VCF-style: chr16-1511406-C-T.
Other names: c.279G>A, p.Thr93= (NM_001114331.3).
Identifiers: ClinVar variation 1489731 (VCV001489731.6), dbSNP rs768049955, ClinGen allele CA7810827.